The following is an entry in ClinVar:

NM_000400.4(ERCC2):c.5+5G>C

Gene: ERCC2 (ERCC excision repair 2, TFIIH core complex helicase subunit; minus strand). Cytogenetic location: 19q13.32.
Variant type: single nucleotide variant.
Coding change: c.5+5G>C on transcript NM_000400.4 (MANE Select); 5 bases into the intron after coding-DNA position 5, G replaced by C.
Molecular consequence: intron variant. On other transcripts: 5 prime UTR variant (2).
Genome position (GRCh38, 1-based): chr19:45,370,531, C>G on the plus strand (G>C on the coding strand, the complement: ERCC2 is on the minus strand). VCF-style: chr19-45370531-C-G. GRCh37 (hg19) VCF-style: chr19-45873789-C-G.
Other names: c.-366G>C (NM_001130867.2); c.-128G>C (NM_001440355.1); c.-19+5G>C (NM_001440357.1); c.5+5G>C (NM_001440356.1).
Identifiers: ClinVar variation 4687142 (VCV004687142.1).
Genomic context (GRCh38, chr19:45,370,531, plus strand): 5'-CGATGACCCCATCTTCAAGACCCCCCGCGCCCGCTAGCGAGCGCGACCCCCAGCCCCCTT[C>G]TCACTTCATGGCGCCGGCCGGACTGTGCAGCGGGGTCGACCCGCCTCCCTCATGAATATT-3'

ClinVar aggregate classification (germline): Uncertain significance (1 of 4 stars; one submission).

Submission:

Women's Health and Genetics/Laboratory Corporation of America, LabCorp
Classification: Uncertain significance. Last evaluated: 2025-10-21. Review status: criteria provided, single submitter. Criteria: LabCorp Variant Classification Summary - May 2015. Collection method: clinical testing. Allele origin: germline.
Comment: Variant summary: ERCC2 c.5+5G>C alters a non-conserved nucleotide located close to a canonical splice site and therefore could affect mRNA splicing, leading to a significantly altered protein sequence. Several computational tools predict a significant impact on normal splicing: Three predict the variant abolishes a 5' splicing donor site and one predicts the variant weakens a 5' donor site. However, these predictions have yet to be confirmed by functional studies. The frequency data for this variant in gnomAD is considered unreliable, as metrics indicate poor data quality at this position. To our knowledge, no occurrence of c.5+5G>C in individuals affected with ERCC2-related conditions and no experimental evidence demonstrating its impact on protein function have been reported. No submitters have cited clinical-significance assessments for this variant to ClinVar. Based on the evidence outlined above, the variant was classified as uncertain significance.